The following is an entry in ClinVar:

ClinVar aggregate classification (germline): Pathogenic/Likely pathogenic. Review status: criteria provided, multiple submitters, no conflicts (2 of 4 stars). 3 submissions from 3 submitters: Pathogenic (1); Likely pathogenic (1). 1 of the submissions does not count toward it. Last evaluated 2024-11-26.

Conditions:
NR5A1-related disorder. Also called: NR5A1-related condition.
46,XY sex reversal 3. Also called: 46,XY GONADAL DYSGENESIS, PARTIAL OR COMPLETE, WITH OR WITHOUT ADRENAL FAILURE; DISORDER OF SEX DEVELOPMENT, 46,XY, NR5A1-RELATED; NR5A1-related 46,XY complete gonadal dysgenesis; SEX REVERSAL, XY, WITH OR WITHOUT ADRENAL FAILURE; 46,XY SEX REVERSAL, PARTIAL OR COMPLETE, NR5A1-RELATED. Identifiers: MedGen C3489793, MONDO:0013066, OMIM 612965.

Submissions (3):

Blueprint Genetics
Classification: Likely pathogenic for NR5A1-related disorders. Last evaluated: 2024-11-26. Review status: criteria provided, single submitter. Criteria: ACMG Guidelines, 2015. Collection method: clinical testing. Allele origin: germline. Affected: yes. Observed: 1 variant allele.

New York Genome Center
Classification: Pathogenic for 46,XY sex reversal 3. Last evaluated: 2021-11-10. Review status: criteria provided, single submitter. Criteria: NYGC Assertion Criteria 2020. Collection method: clinical testing. Allele origin: de novo. Affected: yes. Observed: 1 heterozygote. Study: PrenatalSEQ.
Comment: The de novo c.841C>T (p.Arg281Cys) missense variant identified in exon 4 (of 7) of the NR5A1 gene has been reported as heterozygous in an adult individual with partially virilized 46, XY DSD [PMID: 31745530], and in an another unrelated adult individual with severe gonadal dysplasia [PMID: 33728612]. The variant is absent from gnomAD(v3) database suggesting it is not a common benign variant in the populations represented in that database. The variant affects a highly conserved residue (Arg281) located in the ligand-binding domain of the NR5A1 protein [PMID: 31745530] and is predicted deleterious by multiple in silico prediction tools (CADD score = 28.7, REVEL score = 0.855). A different missense variant (p.Arg281Pro) affecting the same p.Arg281 has been reported in a newborn with 46, XY DSD [PMID: 21163476]. In vitro functional analyses suggest that the c.841C>T (p.Arg281Cys) variant identified in this fetus as well as the c.842G>C (p.Arg281Pro) variant affecting the same Arg281 codon severely reduce the expression of downstream target genes [PMID: 33728612, 21163476]. Based on the available evidence, the c.841C>T (p.Arg281Cys) variant identified in the NR5A1 gene is reported as Pathogenic.

PreventionGenetics, part of Exact Sciences
Classification: Likely pathogenic for NR5A1-related condition. Last evaluated: 2024-09-23. Review status: no assertion criteria provided. Collection method: clinical testing. Allele origin: germline. Not counted in ClinVar's aggregate classification.
Comment: The NR5A1 c.841C>T variant is predicted to result in the amino acid substitution p.Arg281Cys. This variant has been reported in an individual with partially virilized 46,XY disorders of sex development (Buonocore et al 2019. PubMed ID: 31745530), in an individual with non-obstructive azoospermia (An et al. 2021. PubMed ID: 33728612), and in an individual with severe hypospadias (Chen Z et al 2023. PubMed ID: 37168556). Functional analysis showed that this variant led to a decreased expression of downstream NR5A1-regulated genes CYP11A1, CYP17A1, and CYP19A1 (An et al. 2021. PubMed ID: 33728612). This variant has not been reported in a large population database, indicating this variant is rare. Of note, other variants impacting the same amino acid (p.Arg281His and p.Arg281Pro) have been documented in patients with NR5A1-related disorder (Table S9 in Ke et al. 2023. PubMed ID: 36732629; Philibert et al. 2010. PubMed ID: 21163476). Based on this evidence, we interpret the c.841C>T (p.Arg281Cys) variant as likely pathogenic.

NM_004959.5(NR5A1):c.841C>T (p.Arg281Cys)

Gene: NR5A1 (nuclear receptor subfamily 5 group A member 1; minus strand). Cytogenetic location: 9q33.3.
Variant type: single nucleotide variant.
Coding change: c.841C>T on transcript NM_004959.5 (MANE Select); coding-DNA position 841, C replaced by T.
Protein change: p.Arg281Cys; replaces arginine 281 with cysteine.
Molecular consequence: missense variant.
Genome position (GRCh38, 1-based): chr9:124,500,119, G>A on the plus strand (C>T on the coding strand, the complement: NR5A1 is on the minus strand). VCF-style: chr9-124500119-G-A. GRCh37 (hg19) VCF-style: chr9-127262398-G-A.
Other names: c.841C>T (NM_004959.4); short protein forms R281C.
Identifiers: ClinVar variation 3235911 (VCV003235911.3), dbSNP rs2538683564, ClinGen allele CA374885193.